The following is an entry in ClinVar:

NM_000489.6(ATRX):c.3880G>C (p.Asp1294His)

Gene: ATRX (ATRX chromatin remodeler; minus strand). Cytogenetic location: Xq21.1.
Variant type: single nucleotide variant.
Coding change: c.3880G>C on transcript NM_000489.6 (MANE Select); coding-DNA position 3880, G replaced by C.
Protein change: p.Asp1294His; replaces aspartic acid 1294 with histidine.
Molecular consequence: missense variant.
Genome position (GRCh38, 1-based): chrX:77,664,708, C>G on the plus strand (G>C on the coding strand, the complement: ATRX is on the minus strand). VCF-style: chrX-77664708-C-G. GRCh37 (hg19) VCF-style: chrX-76920197-C-G.
Other names: c.3766G>C, p.Asp1256His (NM_138270.5); short protein forms D1294H, D1256H.
Identifiers: ClinVar variation 465058 (VCV000465058.19), dbSNP rs782386546, ClinGen allele CA10457879.

ClinVar aggregate classification (germline): Benign/Likely benign. Review status: criteria provided, multiple submitters, no conflicts (2 of 4 stars). 6 submissions from 6 submitters: Benign (1); Likely benign (4). 1 of the submissions does not count toward it. Last evaluated 2025-12-28.

Conditions:
Alpha thalassemia-X-linked intellectual disability syndrome (ATRX). Also called: ALPHA-THALASSEMIA/MENTAL RETARDATION SYNDROME, X-LINKED; ATR, NONDELETION TYPE; X-linked alpha-thalassemia-mental retardation syndrome; ALPHA-THALASSEMIA/IMPAIRED INTELLECTUAL DEVELOPMENT SYNDROME, X-LINKED; ATR-X syndrome; Alpha thalassemia mental retardation syndrome, nondeletion type, X-linked. Identifiers: Orphanet 847, MedGen C1845055, MONDO:0010519, OMIM 301040.
ATRX-related disorder. Also called: ATRX-related condition.
Inborn genetic diseases. Identifiers: MedGen C0950123, MeSH D030342.

Allele frequency attached by ClinVar (database versions not stated): TOPMed 0.00011; gnomAD exomes 0.00018 and 0.00010; gnomAD 0.00009 and 0.00010; ExAC 0.00014.
gnomAD v4.1: 119 of 1,207,674 alleles (0.0099%); highest among the groups gnomAD compares: Admixed American, 0.057%; no homozygotes.

Submissions (6):

Labcorp Genetics (formerly Invitae), Labcorp
Classification: Benign for Alpha thalassemia-X-linked intellectual disability syndrome. Last evaluated: 2025-12-28. Review status: criteria provided, single submitter. Criteria: Invitae Variant Classification Sherloc (09022015). Collection method: clinical testing. Allele origin: germline.

Laboratory of Genetics, Children's Clinical University Hospital Latvia
Classification: Likely benign. Last evaluated: 2025-02-16. Review status: criteria provided, single submitter. Criteria: ACMG Guidelines, 2015. Collection method: clinical testing. Allele origin: germline. Affected: yes.

Blueprint Genetics
Classification: Likely benign. Last evaluated: 2024-10-29. Review status: criteria provided, single submitter. Criteria: ACMG Guidelines, 2015. Collection method: clinical testing. Allele origin: germline.

Ambry Genetics
Classification: Likely benign for Inborn genetic diseases. Last evaluated: 2023-02-06. Review status: criteria provided, single submitter. Criteria: Ambry Variant Classification Scheme 2023. Collection method: clinical testing. Allele origin: germline.

GeneDx
Classification: Likely benign. Last evaluated: 2020-12-15. Review status: criteria provided, single submitter. Criteria: GeneDx Variant Classification Process June 2021. Collection method: clinical testing. Allele origin: germline. Affected: yes.

PreventionGenetics, part of Exact Sciences
Classification: Likely benign for ATRX-related condition. Last evaluated: 2024-08-09. Review status: no assertion criteria provided. Collection method: clinical testing. Allele origin: germline. Not counted in ClinVar's aggregate classification.
Comment: This variant is classified as likely benign based on ACMG/AMP sequence variant interpretation guidelines (Richards et al. 2015 PMID: 25741868, with internal and published modifications).